The following is an entry in ClinVar:

NM_000407.5(GP1BB):c.439T>A (p.Cys147Ser)

Genes: GP1BB (glycoprotein Ib platelet subunit beta; plus strand), SEPT5-GP1BB (SEPT5-GP1BB readthrough; plus strand). Cytogenetic location: 22q11.21.
Variant type: single nucleotide variant.
Coding change: c.439T>A on transcript NM_000407.5 (MANE Select); coding-DNA position 439, T replaced by A.
Protein change: p.Cys147Ser; replaces cysteine 147 with serine.
Molecular consequence: missense variant. On other transcripts: non-coding transcript variant (2).
Genome position (GRCh38, 1-based): chr22:19,724,282, T>A. VCF-style: chr22-19724282-T-A. GRCh37 (hg19) VCF-style: chr22-19711805-T-A.
Other names: NM_000407.5:c.439T>A; short protein forms C147S.
Identifiers: ClinVar variation 3775055 (VCV003775055.1).

ClinVar aggregate classification (germline): Likely pathogenic (3 of 4 stars; one submission).

Conditions:
Bernard Soulier syndrome (BSS). Also called: GLYCOPROTEIN Ib, PLATELET, DEFICIENCY OF; PLATELET GLYCOPROTEIN Ib DEFICIENCY; VON WILLEBRAND FACTOR RECEPTOR DEFICIENCY; Giant platelet syndrome; Hemorrhagiparous thrombocytic dystrophy; Giant platelet disease. Identifiers: Orphanet 274, MedGen C0005129, MeSH D001606, MONDO:0009276, OMIM 231200.

Submission:

ClinGen Platelet Disorders Variant Curation Expert Panel, ClinGen
Classification: Likely pathogenic for Bernard Soulier syndrome. Last evaluated: 2025-02-18. Review status: reviewed by expert panel. Criteria: ClinGen Platelet ACMG Specifications GP1BB V1.0.0. Collection method: curation. Allele origin: germline. Inheritance: Autosomal recessive inheritance.
Comment: The variant NM_000407.5(GP1BB):c.439T>A (p.Cys147Ser) has been found in at least one individual with Bernard-Soulier syndrome. This patient (PMID:16978236) is compound heterozygous for this variant inherited from the father and c.448del inherited from the mother (PM3). The variant is absent from gnomADv4.1 (PM2_supporting). The computational predictor REVEL gives a score of 0.687, which is above the ClinGen PD VCEP PP3 threshold of >0.644 and predicts a damaging effect on GP1BB function (PP3). This variant resides at a disulfide bond residue, Cys147, of GP1BB that is defined as a critical functional domain by the ClinGen PD VCEP (PM1). However, with stable transfection in CHO cells this variant caused elimination of the GPIbb-GPIba disulfide linkage did not significantly affect GPIb/IX surface expression or the binding of soluble vWF to the GPIb/IX transfected CHO cells (PMID: 16978236; BS3_supporting). In summary, this variant meets the criteria to be classified as Likely Pathogenic for autosomal recessive Bernard-Soulier syndrome based on the ACMG/AMP criteria applied, as specified by the ClinGen PD VCEP: BS3_supporting, PP3, PM1, PM2_supporting, PM3 and PP4.

Literature cited by the submitters: PubMed 16978236.